The following is an entry in ClinVar:

NM_003242.6(TGFBR2):c.1314T>C (p.Asn438=)

Gene: TGFBR2 (transforming growth factor beta receptor 2; plus strand). Cytogenetic location: 3p24.1.
Variant type: single nucleotide variant.
Coding change: c.1314T>C on transcript NM_003242.6 (MANE Select); coding-DNA position 1314, T replaced by C.
Protein change: p.Asn438=; no amino-acid change (asparagine 438 retained).
Molecular consequence: synonymous variant. On other transcripts: intron variant (1).
Genome position (GRCh38, 1-based): chr3:30,674,164, T>C. VCF-style: chr3-30674164-T-C. GRCh37 (hg19) VCF-style: chr3-30715656-T-C.
Other names: c.1389T>C, p.Asn463= (NM_001024847.3); c.1497T>C, p.Asn499= (NM_001407126.1); c.1422T>C, p.Asn474= (NM_001407127.1); c.1341T>C, p.Asn447= (NM_001407128.1); c.1317T>C, p.Asn439= (NM_001407129.1); c.1314T>C, p.Asn438= (NM_001407130.1); c.1209T>C, p.Asn403= (NM_001407132.1, NM_001407133.1, NM_001407134.1 and 2 more transcripts); c.1029T>C, p.Asn343= (NM_001407137.1); and 2 more.
Identifiers: ClinVar variation 699239 (VCV000699239.14), dbSNP rs772490613, ClinGen allele CA046287.

ClinVar aggregate classification (germline): Likely benign. Review status: criteria provided, multiple submitters, no conflicts (2 of 4 stars). 4 submissions from 4 submitters: Likely benign (4). Last evaluated 2025-10-07.

Conditions:
Familial thoracic aortic aneurysm and aortic dissection (TAAD). Also called: Thoracic aortic aneurysms and dissections. Identifiers: Orphanet 91387, MedGen C4707243, MONDO:0019625.
Loeys-Dietz syndrome 2 (LDS2). Also called: TGFBR2-Related Loeys-Dietz Syndrome; Marfan syndrome, type 2 (formerly); Marfan Syndrome type 2; Marfan like connective tissue disorder; MFS 2; AORTIC ANEURYSM, FAMILIAL THORACIC 3. Identifiers: Orphanet 284973, Orphanet 558, MedGen C2674574, MONDO:0012427, OMIM 610168.

Allele frequency attached by ClinVar (database versions not stated): TOPMed below 0.00001; ExAC 0.00001; gnomAD 0.00001; gnomAD exomes 0.00001.
gnomAD v4.1: 21 of 1,614,010 alleles (0.0013%); highest among the groups gnomAD compares: Non-Finnish European, 0.0017%; no homozygotes.

Submissions (4):

Labcorp Genetics (formerly Invitae), Labcorp
Classification: Likely benign for Familial thoracic aortic aneurysm and aortic dissection. Last evaluated: 2025-10-07. Review status: criteria provided, single submitter. Criteria: Invitae Variant Classification Sherloc (09022015). Collection method: clinical testing. Allele origin: germline.

All of Us Research Program, National Institutes of Health
Classification: Likely benign for Loeys-Dietz syndrome 2. Last evaluated: 2024-05-14. Review status: criteria provided, single submitter. Criteria: ACMG Guidelines, 2015. Collection method: clinical testing. Allele origin: germline. Inheritance: Autosomal dominant inheritance. Observed: 3 variant alleles, 3 heterozygotes.
Comment: This study involves interpretation of variants in research participants for the purpose of population health screening. Participant phenotype was not available at the time of variant classification. Additional details can be found in publication PMID: 35346344, PMCID: PMC8962531

Color Diagnostics, LLC DBA Color Health
Classification: Likely benign for Familial thoracic aortic aneurysm and aortic dissection. Last evaluated: 2021-11-19. Review status: criteria provided, single submitter. Criteria: ACMG Guidelines, 2015. Collection method: clinical testing. Allele origin: germline.

Ambry Genetics
Classification: Likely benign for Familial thoracic aortic aneurysm and aortic dissection. Last evaluated: 2018-11-26. Review status: criteria provided, single submitter. Criteria: Ambry Variant Classification Scheme 2023. Collection method: clinical testing. Allele origin: germline.